The following is an entry in ClinVar:

ClinVar aggregate classification (germline): Uncertain significance (1 of 4 stars; one submission).

gnomAD v4.1: 2 of 1,612,330 alleles (0.00012%); highest among the groups gnomAD compares: Middle Eastern, 0.016%; no homozygotes.

Submission:

Labcorp Genetics (formerly Invitae), Labcorp
Classification: Uncertain significance. Last evaluated: 2025-11-16. Review status: criteria provided, single submitter. Criteria: Invitae Variant Classification Sherloc (09022015). Collection method: clinical testing. Allele origin: germline.
Comment: This sequence change replaces alanine, which is neutral and non-polar, with threonine, which is neutral and polar, at codon 445 of the AP3D1 protein (p.Ala445Thr). This variant is not present in population databases (gnomAD no frequency). This variant has not been reported in the literature in individuals affected with AP3D1-related conditions. An algorithm developed to predict the effect of missense changes on protein structure and function (PolyPhen-2) suggests that this variant is likely to be tolerated. In summary, the available evidence is currently insufficient to determine the role of this variant in disease. Therefore, it has been classified as a Variant of Uncertain Significance.

NM_001261826.3(AP3D1):c.1333G>A (p.Ala445Thr)

Gene: AP3D1 (adaptor related protein complex 3 subunit delta 1; minus strand). Cytogenetic location: 19p13.3.
Variant type: single nucleotide variant.
Coding change: c.1333G>A on transcript NM_001261826.3 (MANE Select); coding-DNA position 1333, G replaced by A.
Protein change: p.Ala445Thr; replaces alanine 445 with threonine.
Molecular consequence: missense variant.
Genome position (GRCh38, 1-based): chr19:2,121,010, C>T on the plus strand (G>A on the coding strand, the complement: AP3D1 is on the minus strand). VCF-style: chr19-2121010-C-T. GRCh37 (hg19) VCF-style: chr19-2121009-C-T.
Other names: c.1333G>A, p.Ala445Thr (NM_001374799.1, NM_003938.8); short protein forms A445T.
Identifiers: ClinVar variation 4772747 (VCV004772747.1).